The following is an entry in ClinVar:

NM_018489.3(ASH1L):c.7976G>A (p.Arg2659His)

Gene: ASH1L (ASH1 like histone lysine methyltransferase; minus strand). Cytogenetic location: 1q22.
Variant type: single nucleotide variant.
Coding change: c.7976G>A on transcript NM_018489.3 (MANE Select); coding-DNA position 7976, G replaced by A.
Protein change: p.Arg2659His; replaces arginine 2659 with histidine.
Molecular consequence: missense variant.
Genome position (GRCh38, 1-based): chr1:155,344,188, C>T on the plus strand (G>A on the coding strand, the complement: ASH1L is on the minus strand). VCF-style: chr1-155344188-C-T. GRCh37 (hg19) VCF-style: chr1-155313979-C-T.
Other names: c.7991G>A, p.Arg2664His (NM_001366177.2); short protein forms R2659H, R2664H.
Identifiers: ClinVar variation 975491 (VCV000975491.28), dbSNP rs201394353, ClinGen allele CA1145988.

ClinVar aggregate classification (germline): Likely benign. Review status: criteria provided, multiple submitters, no conflicts (2 of 4 stars). 4 submissions from 4 submitters: Likely benign (2). 2 of the submissions do not count toward it. Last evaluated 2026-06-01.

Conditions:
Intellectual disability. Also called: Intellectual developmental disorder; intellectual disabilities; Intellectual functioning disability. Identifiers: MedGen C3714756, MeSH D008607, MONDO:0001071, HP:0001249.
ASH1L-related disorder. Also called: ASH1L-related condition.
Inborn genetic diseases. Identifiers: MedGen C0950123, MeSH D030342.

Allele frequency attached by ClinVar (database versions not stated): ESP Exome Variant Server 0.00008; ExAC 0.00009; gnomAD exomes 0.00009 and 0.00013; TOPMed 0.00009; gnomAD 0.00014.
gnomAD v4.1: 205 of 1,613,812 alleles (0.013%); highest among the groups gnomAD compares: East Asian, 0.016%; no homozygotes.

Submissions (4):

CeGaT Center for Human Genetics Tuebingen
Classification: Likely benign. Last evaluated: 2026-06-01. Review status: criteria provided, single submitter. Criteria: CeGaT Center For Human Genetics Tuebingen Variant Classification Criteria Version 2. Collection method: clinical testing. Allele origin: germline. Affected: yes. Observed: 3 variant alleles.
Comment: ASH1L: PM5, BP4, BS1

Ambry Genetics
Classification: Likely benign for Inborn genetic diseases. Last evaluated: 2023-03-20. Review status: criteria provided, single submitter. Criteria: Ambry Variant Classification Scheme 2023. Collection method: clinical testing. Allele origin: germline.

PreventionGenetics, part of Exact Sciences
Classification: Likely benign for ASH1L-related condition. Last evaluated: 2023-04-20. Review status: no assertion criteria provided. Collection method: clinical testing. Allele origin: germline. Not counted in ClinVar's aggregate classification.
Comment: This variant is classified as likely benign based on ACMG/AMP sequence variant interpretation guidelines (Richards et al. 2015 PMID: 25741868, with internal and published modifications).

Centre de Biologie Pathologie Génétique, Centre Hospitalier Universitaire de Lille
Classification: Likely benign for Intellectual disability. Last evaluated: 2019-01-01. Review status: no assertion criteria provided. Collection method: clinical testing. Allele origin: inherited. Affected: yes. Not counted in ClinVar's aggregate classification.